The following is an entry in ClinVar:

ClinVar aggregate classification (germline): Uncertain significance (1 of 4 stars; one submission).

Conditions:
Inborn genetic diseases. Identifiers: MedGen C0950123, MeSH D030342.

Submission:

Ambry Genetics
Classification: Uncertain significance for Inborn genetic diseases. Last evaluated: 2025-06-15. Review status: criteria provided, single submitter. Criteria: Ambry Variant Classification Scheme 2023. Collection method: clinical testing. Allele origin: germline.
Comment: The p.G1518A variant (also known as c.4553G>C), located in coding exon 13 of the ASXL1 gene, results from a G to C substitution at nucleotide position 4553. The glycine at codon 1518 is replaced by alanine, an amino acid with similar properties. This amino acid position is conserved. In addition, the in silico prediction for this alteration is inconclusive. Based on the available evidence, the clinical significance of this variant remains unclear.

NM_015338.6(ASXL1):c.4553G>C (p.Gly1518Ala)

Gene: ASXL1 (ASXL transcriptional regulator 1; plus strand). Cytogenetic location: 20q11.21.
Variant type: single nucleotide variant.
Coding change: c.4553G>C on transcript NM_015338.6 (MANE Select); coding-DNA position 4553, G replaced by C.
Protein change: p.Gly1518Ala; replaces glycine 1518 with alanine.
Molecular consequence: missense variant.
Genome position (GRCh38, 1-based): chr20:32,437,265, G>C. VCF-style: chr20-32437265-G-C. GRCh37 (hg19) VCF-style: chr20-31025068-G-C.
Other names: c.4370G>C, p.Gly1457Ala (NM_001363734.1); short protein forms G1457A, G1518A.
Identifiers: ClinVar variation 4157680 (VCV004157680.1).